The following is an entry in ClinVar:

ClinVar aggregate classification (germline): Likely pathogenic (1 of 4 stars; one submission).

Conditions:
21-Hydroxylase-Deficient Congenital Adrenal Hyperplasia. Also called: ADRENAL HYPERPLASIA, CONGENITAL, DUE TO 21-HYDROXYLASE DEFICIENCY; ADRENAL HYPERPLASIA III. Identifiers: MedGen C2936858, OMIM 201910.

Submission:

Institute of Human Genetics, University of Leipzig Medical Center
Classification: Likely pathogenic for 21-Hydroxylase-Deficient Congenital Adrenal Hyperplasia. Last evaluated: 2021-07-21. Review status: criteria provided, single submitter. Criteria: ACMG Guidelines, 2015. Collection method: clinical testing. Allele origin: unknown. Affected: yes.
Comment: This variant was identified as compound heterozygous with Protein change: p.(=):c.293-13C>G.

NM_000500.9:c.(?_-50)_(939+1_940-1)del

Gene: CYP21A2 (cytochrome P450 family 21 subfamily A member 2; plus strand).
Variant type: Deletion.
Other names: c.(?_-50)_(939+1_940-1)del (NM_000500.9).
Identifiers: ClinVar variation 1297041 (VCV001297041.1).